The following is an entry in ClinVar:

NM_002878.4(RAD51D):c.987A>G (p.Ter329Trp)

Genes: RAD51D (RAD51 paralog D; minus strand), RAD51L3-RFFL (RAD51L3-RFFL readthrough; minus strand). Cytogenetic location: 17q12.
Variant type: single nucleotide variant.
Coding change: c.987A>G on transcript NM_002878.4 (MANE Select); coding-DNA position 987, A replaced by G.
Protein change: p.Ter329Trp.
Molecular consequence: stop lost. On other transcripts: non-coding transcript variant (2).
Genome position (GRCh38, 1-based): chr17:35,100,953, T>C on the plus strand (A>G on the coding strand, the complement: RAD51D is on the minus strand). VCF-style: chr17-35100953-T-C. GRCh37 (hg19) VCF-style: chr17-33427972-T-C.
Other names: *217W; c.1047A>G, p.Ter349Trp (NM_001142571.2); c.651A>G, p.Ter217Trp (NM_133629.3).
Identifiers: ClinVar variation 959118 (VCV000959118.1), dbSNP rs2091526907, ClinGen allele CA399086020.

ClinVar aggregate classification (germline): Uncertain significance (1 of 4 stars; one submission).

Conditions:
Breast-ovarian cancer, familial, susceptibility to, 4. Identifiers: Orphanet 145, MedGen C3280345, MONDO:0013669, OMIM 614291.

Submission:

Labcorp Genetics (formerly Invitae), Labcorp
Classification: Uncertain significance for Breast-ovarian cancer, familial 4. Last evaluated: 2019-09-10. Review status: criteria provided, single submitter. Criteria: Invitae Variant Classification Sherloc (09022015). Collection method: clinical testing. Allele origin: germline.
Comment: This sequence change disrupts the translational stop signal of the RAD51D mRNA. It is expected to extend the length of the RAD51D protein by 56 additional amino acid residues. This variant is not present in population databases (ExAC no frequency). This variant has not been reported in the literature in individuals with RAD51D-related conditions. In summary, the available evidence is currently insufficient to determine the role of this variant in disease. Therefore, it has been classified as a Variant of Uncertain Significance.